The following is an entry in ClinVar:

ClinVar aggregate classification (germline): Uncertain significance (1 of 4 stars; one submission).

Submission:

Labcorp Genetics (formerly Invitae), Labcorp
Classification: Uncertain significance. Last evaluated: 2020-03-23. Review status: criteria provided, single submitter. Criteria: Invitae Variant Classification Sherloc (09022015). Collection method: clinical testing. Allele origin: germline.
Comment: In summary, the available evidence is currently insufficient to determine the role of this variant in disease. Therefore, it has been classified as a Variant of Uncertain Significance. Algorithms developed to predict the effect of missense changes on protein structure and function (SIFT, PolyPhen-2, Align-GVGD) all suggest that this variant is likely to be tolerated, but these predictions have not been confirmed by published functional studies and their clinical significance is uncertain. This variant has not been reported in the literature in individuals with POLE-related conditions. This variant is not present in population databases (ExAC no frequency). This sequence change replaces glycine with valine at codon 1773 of the POLE protein (p.Gly1773Val). The glycine residue is weakly conserved and there is a moderate physicochemical difference between glycine and valine.

NM_006231.4(POLE):c.5318G>T (p.Gly1773Val)

Gene: POLE (DNA polymerase epsilon, catalytic subunit; minus strand). Cytogenetic location: 12q24.33.
Variant type: single nucleotide variant.
Coding change: c.5318G>T on transcript NM_006231.4 (MANE Select); coding-DNA position 5318, G replaced by T.
Protein change: p.Gly1773Val; replaces glycine 1773 with valine.
Molecular consequence: missense variant.
Genome position (GRCh38, 1-based): chr12:132,641,707, C>A on the plus strand (G>T on the coding strand, the complement: POLE is on the minus strand). VCF-style: chr12-132641707-C-A. GRCh37 (hg19) VCF-style: chr12-133218293-C-A.
Other names: short protein forms G1773V.
Identifiers: ClinVar variation 1011010 (VCV001011010.8), dbSNP rs2042146270, ClinGen allele CA387375953.